The following is an entry in ClinVar:

NM_000051.4(ATM):c.5382del (p.Trp1795fs)

Gene: ATM (ATM serine/threonine kinase; plus strand). Cytogenetic location: 11q22.3.
Variant type: Deletion.
Coding change: c.5382del on transcript NM_000051.4 (MANE Select); coding-DNA position 5382, one base deleted (G; older notation c.5382delG).
Protein change: p.Trp1795fs; shifts the reading frame from tryptophan 1795.
Molecular consequence: frameshift variant.
Genome position (GRCh38, 1-based): chr11:108,302,915, G deleted. VCF-style (leftmost placement, unchanged base first): chr11-108302914-TG-T. GRCh37 (hg19) VCF-style: chr11-108173641-TG-T.
Other names: c.5382del, p.Trp1795fs (NM_001351834.2); short protein forms W1795fs.
Identifiers: ClinVar variation 2699230 (VCV002699230.4), dbSNP rs2546979559, ClinGen allele CA2697558842.

ClinVar aggregate classification (germline): Pathogenic. Review status: criteria provided, multiple submitters, no conflicts (2 of 4 stars). 2 submissions from 2 submitters: Pathogenic (2). Last evaluated 2024-07-10.

Conditions:
Hereditary cancer-predisposing syndrome. Also called: Hereditary Cancer Syndrome; Hereditary neoplastic syndrome; Neoplastic Syndromes, Hereditary; Tumor predisposition. Identifiers: Orphanet 140162, MedGen C0027672, MeSH D009386, MONDO:0015356.
Ataxia-telangiectasia syndrome (AT). Also called: Cerebello-oculocutaneous telangiectasia; Immunodeficiency with ataxia telangiectasia; Ataxia-telangiectasia, complementation group E; LOUIS-BAR SYNDROME; Ataxia telangiectasia (A-T); AT, COMPLEMENTATION GROUP C. Identifiers: Orphanet 100, MedGen C0004135, MONDO:0008840, OMIM 208900.

Submissions (2):

Ambry Genetics
Classification: Pathogenic for Hereditary cancer-predisposing syndrome. Last evaluated: 2024-07-10. Review status: criteria provided, single submitter. Criteria: Ambry Variant Classification Scheme 2023. Collection method: clinical testing. Allele origin: germline.
Comment: The c.5382delG pathogenic mutation, located in coding exon 35 of the ATM gene, results from a deletion of one nucleotide at nucleotide position 5382, causing a translational frameshift with a predicted alternate stop codon (p.W1795Gfs*4). This variant is considered to be rare based on population cohorts in the Genome Aggregation Database (gnomAD). This alteration is expected to result in loss of function by premature protein truncation or nonsense-mediated mRNA decay. As such, this alteration is interpreted as a disease-causing mutation.

Labcorp Genetics (formerly Invitae), Labcorp
Classification: Pathogenic for Ataxia-telangiectasia syndrome. Last evaluated: 2023-11-27. Review status: criteria provided, single submitter. Criteria: Invitae Variant Classification Sherloc (09022015). Collection method: clinical testing. Allele origin: germline.
Comment: This sequence change creates a premature translational stop signal (p.Trp1795Glyfs*4) in the ATM gene. It is expected to result in an absent or disrupted protein product. Loss-of-function variants in ATM are known to be pathogenic (PMID: 23807571, 25614872). This variant is not present in population databases (gnomAD no frequency). This variant has not been reported in the literature in individuals affected with ATM-related conditions. For these reasons, this variant has been classified as Pathogenic.

Literature cited by the submitters: PubMed 23807571 (cited by Labcorp Genetics (formerly Invitae), Labcorp); PubMed 25614872 (cited by Labcorp Genetics (formerly Invitae), Labcorp).